The following is an entry in ClinVar:

NM_000390.4(CHM):c.941-2A>G

Gene: CHM (CHM Rab escort protein; minus strand). Cytogenetic location: Xq21.2.
Variant type: single nucleotide variant.
Coding change: c.941-2A>G on transcript NM_000390.4 (MANE Select); the canonical splice acceptor site of the intron before coding-DNA position 941, A replaced by G.
Molecular consequence: splice acceptor variant.
Genome position (GRCh38, 1-based): chrX:85,956,380, T>C on the plus strand (A>G on the coding strand, the complement: CHM is on the minus strand). VCF-style: chrX-85956380-T-C. GRCh37 (hg19) VCF-style: chrX-85211385-T-C.
Other names: c.497-2A>G (NM_001362519.1, NM_001362517.1, NM_001320959.1 and 1 more transcripts).
Identifiers: ClinVar variation 1069210 (VCV001069210.10), dbSNP rs2147663521, ClinGen allele CA413785598.

ClinVar aggregate classification (germline): Pathogenic. Review status: criteria provided, multiple submitters, no conflicts (2 of 4 stars). 2 submissions from 2 submitters: Pathogenic (2). Last evaluated 2023-04-28.

Submissions (2):

GeneDx
Classification: Pathogenic. Last evaluated: 2023-04-28. Review status: criteria provided, single submitter. Criteria: GeneDx Variant Classification Process June 2021. Collection method: clinical testing. Allele origin: germline. Affected: yes.
Comment: Canonical splice site variant predicted to result in a null allele in a gene for which loss of function is a known mechanism of disease; Not observed at significant frequency in large population cohorts (gnomAD); This variant is associated with the following publications: (PMID: 25525159, 35040292, 12827496, 23811034, Mukhopadhyay2011[abstract], 30995293)

Labcorp Genetics (formerly Invitae), Labcorp
Classification: Pathogenic. Last evaluated: 2022-03-09. Review status: criteria provided, single submitter. Criteria: Invitae Variant Classification Sherloc (09022015). Collection method: clinical testing. Allele origin: germline.
Comment: ClinVar contains an entry for this variant (Variation ID: 1069210). For these reasons, this variant has been classified as Pathogenic. Algorithms developed to predict the effect of sequence changes on RNA splicing suggest that this variant may disrupt the consensus splice site. Disruption of this splice site has been observed in individual(s) with choroideremia (PMID: 12827496, 23811034, 30995293). This variant is not present in population databases (gnomAD no frequency). This sequence change affects an acceptor splice site in intron 7 of the CHM gene. It is expected to disrupt RNA splicing. Variants that disrupt the donor or acceptor splice site typically lead to a loss of protein function (PMID: 16199547), and loss-of-function variants in CHM are known to be pathogenic (PMID: 9067750, 23811034).

Literature cited by the submitters: PubMed 12827496 (cited by Labcorp Genetics (formerly Invitae), Labcorp); PubMed 23811034 (cited by Labcorp Genetics (formerly Invitae), Labcorp); PubMed 30995293 (cited by Labcorp Genetics (formerly Invitae), Labcorp); PubMed 16199547 (cited by Labcorp Genetics (formerly Invitae), Labcorp); PubMed 9067750 (cited by Labcorp Genetics (formerly Invitae), Labcorp).